The following is an entry in ClinVar:

ClinVar aggregate classification (germline): Uncertain significance (1 of 4 stars; one submission).

Conditions:
Neurodevelopmental disorder with absent language and variable seizures. Also called: ITO-RAYMOND SYNDROME. Identifiers: MedGen C5231469, MONDO:0032876, OMIM 618707.

Submission:

Clinical Genomics Laboratory, Washington University in St. Louis
Classification: Uncertain significance for Neurodevelopmental disorder with absent language and variable seizures. Last evaluated: 2024-12-13. Review status: criteria provided, single submitter. Criteria: ACMG Guidelines, 2015. Collection method: clinical testing. Allele origin: germline.
Comment: The WASF1 c.957T>G (p.Phe319Leu) variant, to our knowledge, has not been reported in the medical literature. This variant is absent from the general population (gnomAD v.2.1.1), indicating it is not a common variant. Computational predictors indicate that this variant may alter splicing, evidence that may correlate to an impact of this variant WASF1 function. Due to limited information, and based on ACMG/AMP guidelines for variant interpretation (Richards S et al., PMID: 25741868), the clinical significance of this variant is uncertain at this time.

NM_003931.3(WASF1):c.957T>G (p.Phe319Leu)

Gene: WASF1 (WASP family member 1; minus strand). Cytogenetic location: 6q21.
Variant type: single nucleotide variant.
Coding change: c.957T>G on transcript NM_003931.3 (MANE Select); coding-DNA position 957, T replaced by G.
Protein change: p.Phe319Leu; replaces phenylalanine 319 with leucine.
Molecular consequence: missense variant.
Genome position (GRCh38, 1-based): chr6:110,102,153, A>C on the plus strand (T>G on the coding strand, the complement: WASF1 is on the minus strand). VCF-style: chr6-110102153-A-C. GRCh37 (hg19) VCF-style: chr6-110423356-A-C.
Other names: c.957T>G, p.Phe319Leu (NM_001024935.2, NM_001024936.2, NM_001024934.2); short protein forms F319L.
Identifiers: ClinVar variation 3600461 (VCV003600461.1).